The following is an entry in ClinVar:

ClinVar aggregate classification (germline): Uncertain significance (1 of 4 stars; one submission).

Conditions:
Ehlers-Danlos syndrome, spondylodysplastic type, 2 (EDSSPD2). Also called: Ehlers-Danlos syndrome, progeroid type, 2. Identifiers: Orphanet 536467, Orphanet 75496, MedGen C3809210, MONDO:0014139, OMIM 615349.
Spondyloepimetaphyseal dysplasia with joint laxity (SEMDJL). Identifiers: MedGen C0432243, MONDO:0019675.

Allele frequency attached by ClinVar (database versions not stated): TOPMed 0.00001.
gnomAD v4.1: 2 of 1,555,738 alleles (0.00013%); highest among the groups gnomAD compares: Non-Finnish European, 0.00017%; no homozygotes.

Submission:

Labcorp Genetics (formerly Invitae), Labcorp
Classification: Uncertain significance for Ehlers-Danlos syndrome, spondylodysplastic type, 2; Spondyloepimetaphyseal dysplasia with joint laxity. Last evaluated: 2025-01-06. Review status: criteria provided, single submitter. Criteria: Invitae Variant Classification Sherloc (09022015). Collection method: clinical testing. Allele origin: germline.
Comment: This sequence change replaces tryptophan, which is neutral and slightly polar, with cysteine, which is neutral and slightly polar, at codon 203 of the B3GALT6 protein (p.Trp203Cys). This variant is not present in population databases (gnomAD no frequency). This variant has not been reported in the literature in individuals affected with B3GALT6-related conditions. ClinVar contains an entry for this variant (Variation ID: 1005617). Invitae Evidence Modeling of protein sequence and biophysical properties (such as structural, functional, and spatial information, amino acid conservation, physicochemical variation, residue mobility, and thermodynamic stability) indicates that this missense variant is expected to disrupt B3GALT6 protein function with a positive predictive value of 80%. In summary, the available evidence is currently insufficient to determine the role of this variant in disease. Therefore, it has been classified as a Variant of Uncertain Significance.

NM_080605.4(B3GALT6):c.609G>T (p.Trp203Cys)

Gene: B3GALT6 (beta-1,3-galactosyltransferase 6; plus strand). Cytogenetic location: 1p36.33.
Variant type: single nucleotide variant.
Coding change: c.609G>T on transcript NM_080605.4 (MANE Select); coding-DNA position 609, G replaced by T.
Protein change: p.Trp203Cys; replaces tryptophan 203 with cysteine.
Molecular consequence: missense variant.
Genome position (GRCh38, 1-based): chr1:1,232,887, G>T. VCF-style: chr1-1232887-G-T. GRCh37 (hg19) VCF-style: chr1-1168267-G-T.
Other names: short protein forms W203C.
Identifiers: ClinVar variation 1005617 (VCV001005617.9), dbSNP rs1170976606, ClinGen allele CA337827040.